The following is an entry in ClinVar:

NM_000094.4(COL7A1):c.5119C>T (p.Arg1707Trp)

Gene: COL7A1 (collagen type VII alpha 1 chain; minus strand). Cytogenetic location: 3p21.31.
Variant type: single nucleotide variant.
Coding change: c.5119C>T on transcript NM_000094.4 (MANE Select); coding-DNA position 5119, C replaced by T.
Protein change: p.Arg1707Trp; replaces arginine 1707 with tryptophan.
Molecular consequence: missense variant.
Genome position (GRCh38, 1-based): chr3:48,580,036, G>A on the plus strand (C>T on the coding strand, the complement: COL7A1 is on the minus strand). VCF-style: chr3-48580036-G-A. GRCh37 (hg19) VCF-style: chr3-48617469-G-A.
Other names: short protein forms R1707W.
Identifiers: ClinVar variation 2148070 (VCV002148070.3), dbSNP rs375022221, ClinGen allele CA2379665.

ClinVar aggregate classification (germline): Uncertain significance (1 of 4 stars; one submission).

Allele frequency attached by ClinVar (database versions not stated): ExAC 0.00002; gnomAD exomes 0.00004; TOPMed 0.00004; gnomAD 0.00005; ESP Exome Variant Server 0.00015.
gnomAD v4.1: 73 of 1,613,840 alleles (0.0045%); highest among the groups gnomAD compares: Non-Finnish European, 0.0055%; no homozygotes.

Submission:

Labcorp Genetics (formerly Invitae), Labcorp
Classification: Uncertain significance. Last evaluated: 2026-01-21. Review status: criteria provided, single submitter. Criteria: Invitae Variant Classification Sherloc (09022015). Collection method: clinical testing. Allele origin: germline.
Comment: This sequence change replaces arginine, which is basic and polar, with tryptophan, which is neutral and slightly polar, at codon 1707 of the COL7A1 protein (p.Arg1707Trp). This variant is present in population databases (rs375022221, gnomAD 0.01%). This variant has not been reported in the literature in individuals affected with COL7A1-related conditions. ClinVar contains an entry for this variant (Variation ID: 2148070). Invitae Evidence Modeling of protein sequence and biophysical properties (such as structural, functional, and spatial information, amino acid conservation, physicochemical variation, residue mobility, and thermodynamic stability) has been performed for this missense variant. However, the output from this modeling did not meet the statistical confidence thresholds required to predict the impact of this variant on COL7A1 protein function. In summary, the available evidence is currently insufficient to determine the role of this variant in disease. Therefore, it has been classified as a Variant of Uncertain Significance.